The following is an entry in ClinVar:

NM_001127198.5(TMC6):c.1444C>T (p.Leu482Phe)

Gene: TMC6 (transmembrane channel like 6; minus strand). Cytogenetic location: 17q25.3.
Variant type: single nucleotide variant.
Coding change: c.1444C>T on transcript NM_001127198.5 (MANE Select); coding-DNA position 1444, C replaced by T.
Protein change: p.Leu482Phe; replaces leucine 482 with phenylalanine.
Molecular consequence: missense variant. On other transcripts: non-coding transcript variant (4).
Genome position (GRCh38, 1-based): chr17:78,121,104, G>A on the plus strand (C>T on the coding strand, the complement: TMC6 is on the minus strand). VCF-style: chr17-78121104-G-A. GRCh37 (hg19) VCF-style: chr17-76117185-G-A.
Other names: c.1444C>T, p.Leu482Phe (NM_001321185.1, NM_001374593.1, NM_001374594.1 and 4 more transcripts); short protein forms L482F.
Identifiers: ClinVar variation 1491042 (VCV001491042.6), dbSNP rs1439173052, ClinGen allele CA401228460.

ClinVar aggregate classification (germline): Uncertain significance (1 of 4 stars; one submission).

Conditions:
Epidermodysplasia verruciformis. Identifiers: Orphanet 302, MedGen C0014522, MONDO:0009176.

Submission:

Labcorp Genetics (formerly Invitae), Labcorp
Classification: Uncertain significance for Epidermodysplasia verruciformis. Last evaluated: 2021-09-17. Review status: criteria provided, single submitter. Criteria: Invitae Variant Classification Sherloc (09022015). Collection method: clinical testing. Allele origin: germline.
Comment: This sequence change replaces leucine with phenylalanine at codon 482 of the TMC6 protein (p.Leu482Phe). The leucine residue is moderately conserved and there is a small physicochemical difference between leucine and phenylalanine. Algorithms developed to predict the effect of missense changes on protein structure and function are either unavailable or do not agree on the potential impact of this missense change (SIFT: "Not Available"; PolyPhen-2: "Possibly Damaging"; Align-GVGD: "Not Available"). This variant is not present in population databases (ExAC no frequency). This variant has not been reported in the literature in individuals affected with TMC6-related conditions. In summary, the available evidence is currently insufficient to determine the role of this variant in disease. Therefore, it has been classified as a Variant of Uncertain Significance.